The following is an entry in ClinVar:

ClinVar aggregate classification (germline): Likely benign (0 of 4 stars; one submission).

Conditions:
CRB1-related disorder. Also called: CRB1-related condition; CRB1-related disorders.

Allele frequency attached by ClinVar (database versions not stated): gnomAD exomes below 0.00001.
gnomAD v4.1: 3 of 1,614,200 alleles (0.00019%); highest among the groups gnomAD compares: Non-Finnish European, 0.000085%; 1 homozygote.

Submission:

PreventionGenetics, part of Exact Sciences
Classification: Likely benign for CRB1-related condition. Last evaluated: 2020-06-12. Review status: no assertion criteria provided. Collection method: clinical testing. Allele origin: germline.
Comment: This variant is classified as likely benign based on ACMG/AMP sequence variant interpretation guidelines (Richards et al. 2015 PMID: 25741868, with internal and published modifications).

NM_201253.3(CRB1):c.1071G>C (p.Leu357=)

Gene: CRB1 (crumbs cell polarity complex component 1; plus strand). Cytogenetic location: 1q31.3.
Variant type: single nucleotide variant.
Coding change: c.1071G>C on transcript NM_201253.3 (MANE Select); coding-DNA position 1071, G replaced by C.
Protein change: p.Leu357=; no amino-acid change (leucine 357 retained).
Molecular consequence: synonymous variant. On other transcripts: non-coding transcript variant (2).
Genome position (GRCh38, 1-based): chr1:197,356,913, G>C. VCF-style: chr1-197356913-G-C. GRCh37 (hg19) VCF-style: chr1-197326043-G-C.
Other names: c.735G>C, p.Leu245= (NM_001193640.2); c.864G>C, p.Leu288= (NM_001257965.2); c.1071G>C, p.Leu357= (NM_001257966.2).
Identifiers: ClinVar variation 3036804 (VCV003036804.2), dbSNP rs2527715888, ClinGen allele CA422724655.